The following is an entry in ClinVar:

NM_003924.4(PHOX2B):c.*838A>G

Gene: PHOX2B (paired like homeobox 2B; minus strand). Cytogenetic location: 4p13.
Variant type: single nucleotide variant.
Coding change: c.*838A>G on transcript NM_003924.4 (MANE Select); 838 bases downstream of the stop codon, A replaced by G.
Molecular consequence: 3 prime UTR variant.
Genome position (GRCh38, 1-based): chr4:41,744,969, T>C on the plus strand (A>G on the coding strand, the complement: PHOX2B is on the minus strand). VCF-style: chr4-41744969-T-C. GRCh37 (hg19) VCF-style: chr4-41746986-T-C.
Identifiers: ClinVar variation 901710 (VCV000901710.4), dbSNP rs367652707, ClinGen allele CA95827973.
Genomic context (GRCh38, chr4:41,744,969, plus strand): 5'-GGATAGGGCATCTTTCAGGGCCGAACGGCTGCAAAGATTCGGGGTTGGGAGTTGCAACTG[T>C]GTGGGGTTCCGATGCGCTAATGGCGGGATGGTGTTCAGCGAGGTGGGACAGGCAAGGGGG-3'

ClinVar aggregate classification (germline): Benign. Review status: criteria provided, single submitter (1 of 4 stars). 2 submissions from 1 submitter: Benign (2). Last evaluated 2018-01-13.

Conditions:
Congenital central hypoventilation. Also called: Congenital Central Hypoventilation Syndrome. Identifiers: Orphanet 661, Orphanet 99803, MedGen C1275808, MONDO:0800031. Disease mechanism: gain of function.
Neuroblastoma, susceptibility to, 2. Identifiers: Orphanet 635, MedGen C2751682, MONDO:0700041, OMIM 613013.

Allele frequency attached by ClinVar (database versions not stated): 1000 Genomes Project 30x 0.00250; 1000 Genomes Project 0.00280; TOPMed 0.00397.
gnomAD v4.1: 608 of 233,198 alleles (0.26%); highest among the groups gnomAD compares: African/African-American, 1.2%; 4 homozygotes.

Submissions (2):

Illumina Laboratory Services, Illumina
Classification: Benign for Central hypoventilation syndrome, congenital, 1, with or without Hirschsprung disease. Last evaluated: 2018-01-13. Review status: criteria provided, single submitter. Criteria: ICSL Variant Classification Criteria 13 December 2019. Collection method: clinical testing. Allele origin: germline.
Comment: This variant was observed in the ICSL laboratory as part of a predisposition screen in an ostensibly healthy population. It had not been previously curated by ICSL or reported in the Human Gene Mutation Database (HGMD: prior to June 1st, 2018), and was therefore a candidate for classification through an automated scoring system. Utilizing variant allele frequency, disease prevalence and penetrance estimates, and inheritance mode, an automated score was calculated to assess if this variant is too frequent to cause the disease. Based on the score and internal cut-off values, a variant classified as benign is not then subjected to further curation. The score for this variant resulted in a classification of benign for this disease.

Illumina Laboratory Services, Illumina
Classification: Benign for Neuroblastoma, susceptibility to, 2. Last evaluated: 2018-01-13. Review status: criteria provided, single submitter. Criteria: ICSL Variant Classification Criteria 13 December 2019. Collection method: clinical testing. Allele origin: germline.
Comment: the same text as in the submission from Illumina Laboratory Services, Illumina above.